The following is an entry in ClinVar:

NM_003036.4(SKI):c.1600G>A (p.Ala534Thr)

Gene: SKI (SKI proto-oncogene; plus strand). Cytogenetic location: 1p36.32.
Variant type: single nucleotide variant.
Coding change: c.1600G>A on transcript NM_003036.4 (MANE Select); coding-DNA position 1600, G replaced by A.
Protein change: p.Ala534Thr; replaces alanine 534 with threonine.
Molecular consequence: missense variant.
Genome position (GRCh38, 1-based): chr1:2,304,418, G>A. VCF-style: chr1-2304418-G-A. GRCh37 (hg19) VCF-style: chr1-2235857-G-A.
Other names: short protein forms A534T.
Identifiers: ClinVar variation 3375958 (VCV003375958.1).

ClinVar aggregate classification (germline): Uncertain significance (1 of 4 stars; one submission).

gnomAD v4.1: 4 of 1,555,192 alleles (0.00026%); highest among the groups gnomAD compares: South Asian, 0.0012%; no homozygotes.

Submission:

GeneDx
Classification: Uncertain significance. Last evaluated: 2024-05-01. Review status: criteria provided, single submitter. Criteria: GeneDx Variant Classification Process June 2021. Collection method: clinical testing. Allele origin: germline. Affected: yes.
Comment: Has not been previously published as pathogenic or benign to our knowledge; Not observed at significant frequency in large population cohorts (gnomAD); In silico analysis indicates that this missense variant does not alter protein structure/function